The following is an entry in ClinVar:

NM_024747.6(HPS6):c.1764G>A (p.Gln588=)

Gene: HPS6 (HPS6 biogenesis of lysosomal organelles complex 2 subunit 3; plus strand). Cytogenetic location: 10q24.32.
Variant type: single nucleotide variant.
Coding change: c.1764G>A on transcript NM_024747.6 (MANE Select); coding-DNA position 1764, G replaced by A.
Protein change: p.Gln588=; no amino-acid change (glutamine 588 retained).
Molecular consequence: synonymous variant.
Genome position (GRCh38, 1-based): chr10:102,067,238, G>A. VCF-style: chr10-102067238-G-A. GRCh37 (hg19) VCF-style: chr10-103826995-G-A.
Other names: p.Gln588=.
Identifiers: ClinVar variation 261763 (VCV000261763.18), dbSNP rs145597717, ClinGen allele CA5660029.
Genomic context (GRCh38, chr10:102,067,238, plus strand): 5'-GTGCCAGTGTCTGTGCCAGCTGGAGCCTCGATGGCTGCCACCCTTTGTGGAGCTGGCACA[G>A]CAGCAGGGCGGGCCGGGCTGGGGGGCAGGGGGCCCAGGACTGCCCCTGTATCGCCGAGCT-3'
Protein context (NP_079023.2, residues 578-598): RWLPPFVELA[Gln588=]QQGGPGWGAG

ClinVar aggregate classification (germline): Benign/Likely benign. Review status: criteria provided, multiple submitters, no conflicts (2 of 4 stars). 5 submissions from 5 submitters: Benign (4); Likely benign (1). Last evaluated 2026-01-31.

Conditions:
Hermansky-Pudlak syndrome 6 (HPS6). Identifiers: Orphanet 231512, Orphanet 79430, MedGen C3888007, MONDO:0013558, OMIM 614075.

Allele frequency attached by ClinVar (database versions not stated): gnomAD exomes 0.00122 and 0.00318; ExAC 0.00345; gnomAD 0.00903 and 0.00963; ESP Exome Variant Server 0.00919; TOPMed 0.01071; 1000 Genomes Project 0.01238; 1000 Genomes Project 30x 0.01390.

Submissions (5):

Labcorp Genetics (formerly Invitae), Labcorp
Classification: Benign. Last evaluated: 2026-01-31. Review status: criteria provided, single submitter. Criteria: Invitae Variant Classification Sherloc (09022015). Collection method: clinical testing. Allele origin: germline.

Mayo Clinic Laboratories, Mayo Clinic
Classification: Likely benign. Last evaluated: 2023-10-19. Review status: criteria provided, single submitter. Criteria: ACMG Guidelines, 2015. Collection method: clinical testing. Allele origin: germline. Observed: 9 variant alleles.
Comment: BS1, BP4, BP7

Illumina Laboratory Services, Illumina
Classification: Benign for Hermansky-Pudlak syndrome 6. Last evaluated: 2018-01-13. Review status: criteria provided, single submitter. Criteria: ICSL Variant Classification Criteria 13 December 2019. Collection method: clinical testing. Allele origin: germline.
Comment: This variant was observed in the ICSL laboratory as part of a predisposition screen in an ostensibly healthy population. It had not been previously curated by ICSL or reported in the Human Gene Mutation Database (HGMD: prior to June 1st, 2018), and was therefore a candidate for classification through an automated scoring system. Utilizing variant allele frequency, disease prevalence and penetrance estimates, and inheritance mode, an automated score was calculated to assess if this variant is too frequent to cause the disease. Based on the score and internal cut-off values, a variant classified as benign is not then subjected to further curation. The score for this variant resulted in a classification of benign for this disease.

Breakthrough Genomics
Classification: Benign. Review status: criteria provided, single submitter. Criteria: ACMG Guidelines, 2015. Collection method: not provided. Allele origin: germline. Inheritance: Autosomal recessive inheritance. Affected: yes.

PreventionGenetics, part of Exact Sciences
Classification: Benign. Review status: criteria provided, single submitter. Criteria: ACMG Guidelines, 2015. Collection method: clinical testing. Allele origin: germline.